The following is an entry in ClinVar:

NM_000352.6(ABCC8):c.2671C>T (p.Gln891Ter)

Gene: ABCC8 (ATP binding cassette subfamily C member 8; minus strand). Cytogenetic location: 11p15.1.
Variant type: single nucleotide variant.
Coding change: c.2671C>T on transcript NM_000352.6 (MANE Select); coding-DNA position 2671, C replaced by T.
Protein change: p.Gln891Ter; replaces glutamine 891 with a stop codon.
Molecular consequence: nonsense. On other transcripts: non-coding transcript variant (1).
Genome position (GRCh38, 1-based): chr11:17,410,539, G>A on the plus strand (C>T on the coding strand, the complement: ABCC8 is on the minus strand). VCF-style: chr11-17410539-G-A. GRCh37 (hg19) VCF-style: chr11-17432086-G-A.
Other names: c.2674C>T, p.Gln892Ter (NM_001287174.3); c.2737C>T, p.Gln913Ter (NM_001351295.2); c.2671C>T, p.Gln891Ter (NM_001351296.2); c.2668C>T, p.Gln890Ter (NM_001351297.2); short protein forms Q890*, Q891*, Q892*, Q913*.
Identifiers: ClinVar variation 1457443 (VCV001457443.6), dbSNP rs2133460957, ClinGen allele CA379806046.
Genomic context (GRCh38, chr11:17,410,539, plus strand): 5'-CTGCCCCCTATAGCCTGACCCCCTTGTTCCCCCTCACCCAGTCTGCATGGGGCAGGTACT[G>A]TAGCTTGTGGGTCACTAAGACCACTGTCCTCTTGTCGTCCCGGAGCAGCTCAAGGATGCC-3'

ClinVar aggregate classification (germline): Pathogenic (1 of 4 stars; one submission).

Allele frequency attached by ClinVar (database versions not stated): gnomAD exomes below 0.00001.
gnomAD v4.1: 1 of 1,614,180 alleles (0.000062%); highest among the groups gnomAD compares: Non-Finnish European, 0.000085%; no homozygotes.

Submission:

Labcorp Genetics (formerly Invitae), Labcorp
Classification: Pathogenic. Last evaluated: 2021-01-08. Review status: criteria provided, single submitter. Criteria: Invitae Variant Classification Sherloc (09022015). Collection method: clinical testing. Allele origin: germline.
Comment: For these reasons, this variant has been classified as Pathogenic. This variant has not been reported in the literature in individuals with ABCC8-related conditions. This sequence change creates a premature translational stop signal (p.Gln891*) in the ABCC8 gene. It is expected to result in an absent or disrupted protein product. Loss-of-function variants in ABCC8 are known to be pathogenic (PMID: 20685672, 23345197). This variant is not present in population databases (ExAC no frequency).

Literature cited by the submitters: PubMed 20685672; PubMed 23345197.